The following is an entry in ClinVar:

ClinVar aggregate classification (germline): Benign/Likely benign. Review status: criteria provided, multiple submitters, no conflicts (2 of 4 stars). 7 submissions from 7 submitters: Benign (2); Likely benign (4). 1 of the submissions does not count toward it. Last evaluated 2025-10-21.

Conditions:
Inborn genetic diseases. Identifiers: MedGen C0950123, MeSH D030342.
EEF1A2-related disorder. Also called: EEF1A2-related condition; EEF1A2-related disorders.
Developmental and epileptic encephalopathy, 33 (DEE33). Also called: Epileptic encephalopathy, early infantile, 33. Identifiers: Orphanet 442835, MedGen C4225337, MONDO:0014625, OMIM 616409.

Allele frequency attached by ClinVar (database versions not stated): gnomAD 0.00013 and 0.00014; ESP Exome Variant Server 0.00015; TOPMed 0.00015; gnomAD exomes 0.00016 and 0.00026; ExAC 0.00020.

Submissions (7):

Labcorp Genetics (formerly Invitae), Labcorp
Classification: Benign for Developmental and epileptic encephalopathy, 33. Last evaluated: 2025-10-21. Review status: criteria provided, single submitter. Criteria: Invitae Variant Classification Sherloc (09022015). Collection method: clinical testing. Allele origin: germline.

CeGaT Center for Human Genetics Tuebingen
Classification: Likely benign. Last evaluated: 2025-04-01. Review status: criteria provided, single submitter. Criteria: CeGaT Center For Human Genetics Tuebingen Variant Classification Criteria Version 2. Collection method: clinical testing. Allele origin: germline. Affected: yes. Observed: 2 variant alleles.
Comment: EEF1A2: PP2, BS2

Laboratory of Genetics, Children's Clinical University Hospital Latvia
Classification: Likely benign. Last evaluated: 2025-02-16. Review status: criteria provided, single submitter. Criteria: ACMG Guidelines, 2015. Collection method: clinical testing. Allele origin: germline. Affected: yes.

Blueprint Genetics
Classification: Likely benign. Last evaluated: 2024-10-14. Review status: criteria provided, single submitter. Criteria: ACMG Guidelines, 2015. Collection method: clinical testing. Allele origin: germline.

Ambry Genetics
Classification: Likely benign for Inborn genetic diseases. Last evaluated: 2022-05-04. Review status: criteria provided, single submitter. Criteria: Ambry Variant Classification Scheme 2023. Collection method: clinical testing. Allele origin: germline.

GeneDx
Classification: Benign. Last evaluated: 2019-01-23. Review status: criteria provided, single submitter. Criteria: GeneDx Variant Classification Process June 2021. Collection method: clinical testing. Allele origin: germline. Affected: yes.

PreventionGenetics, part of Exact Sciences
Classification: Benign for EEF1A2-related condition. Last evaluated: 2019-08-08. Review status: no assertion criteria provided. Collection method: clinical testing. Allele origin: germline. Not counted in ClinVar's aggregate classification.
Comment: This variant is classified as benign based on ACMG/AMP sequence variant interpretation guidelines (Richards et al. 2015 PMID: 25741868, with internal and published modifications).

NM_001958.5(EEF1A2):c.526G>A (p.Ala176Thr)

Genes: EEF1A2 (eukaryotic translation elongation factor 1 alpha 2; minus strand), LOC132090595 (Neanderthal introgressed variant-containing enhancer experimental_60987; plus strand). Cytogenetic location: 20q13.33.
Variant type: single nucleotide variant.
Coding change: c.526G>A on transcript NM_001958.5 (MANE Select); coding-DNA position 526, G replaced by A.
Protein change: p.Ala176Thr; replaces alanine 176 with threonine.
Molecular consequence: missense variant.
Genome position (GRCh38, 1-based): chr20:63,494,900, C>T on the plus strand (G>A on the coding strand, the complement: EEF1A2 is on the minus strand). VCF-style: chr20-63494900-C-T. GRCh37 (hg19) VCF-style: chr20-62126253-C-T.
Other names: short protein forms A176T.
Identifiers: ClinVar variation 389234 (VCV000389234.45), dbSNP rs200840944, ClinGen allele CA9959084.